The following is an entry in ClinVar:

ClinVar aggregate classification (germline): Benign. Review status: criteria provided, single submitter (1 of 4 stars). 4 submissions from 1 submitter: Benign (4). Last evaluated 2018-01-13.

Conditions:
Café-au-lait macules with pulmonary stenosis (WTSN). Also called: PULMONIC STENOSIS WITH CAFE-AU-LAIT SPOTS. Identifiers: MedGen C0553586, MONDO:0008672, OMIM 193520.
Neurofibromatosis, familial spinal (FSNF). Identifiers: Orphanet 636, MedGen C1834235, MONDO:0008078, OMIM 162210. Disease mechanism: loss of function.
Neurofibromatosis-Noonan syndrome (NFNS). Also called: NEUROFIBROMATOSIS WITH NOONAN PHENOTYPE. Identifiers: Orphanet 638, MedGen C2931482, MONDO:0011035, OMIM 601321. Disease mechanism: loss of function.
Neurofibromatosis, type 1 (NF1). Also called: VON RECKLINGHAUSEN DISEASE; NEUROFIBROMATOSIS, TYPE I, SOMATIC; Peripheral type neurofibromatosis; Neurofibromatosis, type I. Identifiers: Orphanet 636, MedGen C0027831, MONDO:0018975, OMIM 162200. Disease mechanism: loss of function.

Allele frequency attached by ClinVar (database versions not stated): gnomAD exomes 0.00024; gnomAD 0.00153 and 0.00160; TOPMed 0.00153; 1000 Genomes Project 0.00220; 1000 Genomes Project 30x 0.00250.
gnomAD v4.1: 254 of 232,886 alleles (0.11%); highest among the groups gnomAD compares: African/African-American, 0.51%; 1 homozygote.

Submissions (4):

Illumina Laboratory Services, Illumina
Classification: Benign for Neurofibromatosis, familial spinal. Last evaluated: 2018-01-13. Review status: criteria provided, single submitter. Criteria: ICSL Variant Classification Criteria 13 December 2019. Collection method: clinical testing. Allele origin: germline.
Comment: This variant was observed in the ICSL laboratory as part of a predisposition screen in an ostensibly healthy population. It had not been previously curated by ICSL or reported in the Human Gene Mutation Database (HGMD: prior to June 1st, 2018), and was therefore a candidate for classification through an automated scoring system. Utilizing variant allele frequency, disease prevalence and penetrance estimates, and inheritance mode, an automated score was calculated to assess if this variant is too frequent to cause the disease. Based on the score and internal cut-off values, a variant classified as benign is not then subjected to further curation. The score for this variant resulted in a classification of benign for this disease.

Illumina Laboratory Services, Illumina
Classification: Benign for Neurofibromatosis-Noonan syndrome. Last evaluated: 2018-01-13. Review status: criteria provided, single submitter. Criteria: ICSL Variant Classification Criteria 13 December 2019. Collection method: clinical testing. Allele origin: germline.
Comment: the same text as in the submission from Illumina Laboratory Services, Illumina above.

Illumina Laboratory Services, Illumina
Classification: Benign for Café-au-lait macules with pulmonary stenosis. Last evaluated: 2018-01-13. Review status: criteria provided, single submitter. Criteria: ICSL Variant Classification Criteria 13 December 2019. Collection method: clinical testing. Allele origin: germline.
Comment: the same text as in the submission from Illumina Laboratory Services, Illumina above.

Illumina Laboratory Services, Illumina
Classification: Benign for Neurofibromatosis, type 1. Last evaluated: 2018-01-13. Review status: criteria provided, single submitter. Criteria: ICSL Variant Classification Criteria 13 December 2019. Collection method: clinical testing. Allele origin: germline.
Comment: the same text as in the submission from Illumina Laboratory Services, Illumina above.

NM_001042492.3(NF1):c.*1481A>G

Gene: NF1 (neurofibromin 1; plus strand). Cytogenetic location: 17q11.2.
Variant type: single nucleotide variant.
Coding change: c.*1481A>G on transcript NM_001042492.3 (MANE Select); 1481 bases downstream of the stop codon, A replaced by G.
Molecular consequence: 3 prime UTR variant.
Genome position (GRCh38, 1-based): chr17:31,375,636, A>G. VCF-style: chr17-31375636-A-G. GRCh37 (hg19) VCF-style: chr17-29702654-A-G.
Other names: c.*1481A>G (NM_000267.4).
Identifiers: ClinVar variation 891756 (VCV000891756.4), dbSNP rs150702919, ClinGen allele CA289712651.
Genomic context (GRCh38, chr17:31,375,636, plus strand): 5'-TAATCCCTCTACTCCCAGGTTCCCTTTATATGTTAAGATATAATGGCTTTGAGGGGGGAA[A>G]AAATAAACCTAGGGGAGAGGGGAGTTTCCTGTAGTGCTGTTTCATTAGAGGATTTCAGTA-3'